The following is an entry in ClinVar:

NM_172364.5(CACNA2D4):c.1054C>T (p.Arg352Ter)

Gene: CACNA2D4 (calcium voltage-gated channel auxiliary subunit alpha2delta 4; minus strand). Cytogenetic location: 12p13.33.
Variant type: single nucleotide variant.
Coding change: c.1054C>T on transcript NM_172364.5 (MANE Select); coding-DNA position 1054, C replaced by T.
Protein change: p.Arg352Ter; replaces arginine 352 with a stop codon.
Molecular consequence: nonsense.
Genome position (GRCh38, 1-based): chr12:1,885,979, G>A on the plus strand (C>T on the coding strand, the complement: CACNA2D4 is on the minus strand). VCF-style: chr12-1885979-G-A. GRCh37 (hg19) VCF-style: chr12-1995145-G-A.
Other names: c.1054C>T (NM_172364.4); short protein forms R352*.
Identifiers: ClinVar variation 1026191 (VCV001026191.8), dbSNP rs747489303, ClinGen allele CA6387309.

ClinVar aggregate classification (germline): Conflicting classifications of pathogenicity. Review status: criteria provided, conflicting classifications (1 of 4 stars). 3 submissions from 3 submitters: Likely pathogenic (2); Uncertain significance (1). Last evaluated 2025-02-22.

Conditions:
CACNA2D4-related disorder. Also called: CACNA2D4-related condition.

Allele frequency attached by ClinVar (database versions not stated): gnomAD exomes below 0.00001; ExAC 0.00001.
gnomAD v4.1: 1 of 1,612,718 alleles (0.000062%); highest among the groups gnomAD compares: Non-Finnish European, 0.000085%; no homozygotes.

Submissions (3):

GeneDx
Classification: Likely pathogenic. Last evaluated: 2025-02-22. Review status: criteria provided, single submitter. Criteria: GeneDx Variant Classification Process June 2021. Collection method: clinical testing. Allele origin: germline. Affected: yes.
Comment: Nonsense variant predicted to result in protein truncation or nonsense mediated decay in a gene for which loss of function is a known mechanism of disease; Not observed at significant frequency in large population cohorts (gnomAD); Has not been previously reported as pathogenic or benign in association with CACNA2D4-related disorders to our knowledge; This variant is associated with the following publications: (PMID: 33057194, 35982159)

Labcorp Genetics (formerly Invitae), Labcorp
Classification: Uncertain significance. Last evaluated: 2023-08-04. Review status: criteria provided, single submitter. Criteria: Invitae Variant Classification Sherloc (09022015). Collection method: clinical testing. Allele origin: germline.
Comment: This variant has not been reported in the literature in individuals affected with CACNA2D4-related conditions. This sequence change creates a premature translational stop signal (p.Arg352*) in the CACNA2D4 gene. It is expected to result in an absent or disrupted protein product. However, the current clinical and genetic evidence is not sufficient to establish whether loss-of-function variants in CACNA2D4 cause disease. The frequency data for this variant in the population databases is considered unreliable, as metrics indicate poor data quality at this position in the gnomAD database. ClinVar contains an entry for this variant (Variation ID: 1026191). In summary, the available evidence is currently insufficient to determine the role of this variant in disease. Therefore, it has been classified as a Variant of Uncertain Significance.

Blueprint Genetics
Classification: Likely pathogenic for CACNA2D4-related disorders. Last evaluated: 2021-08-25. Review status: criteria provided, single submitter. Criteria: ACMG Guidelines, 2015. Collection method: clinical testing. Allele origin: germline. Affected: yes. Observed: 1 variant allele.